The following is an entry in ClinVar:

NM_000540.3(RYR1):c.10686+1G>A

Gene: RYR1 (ryanodine receptor 1; plus strand). Cytogenetic location: 19q13.2.
Variant type: single nucleotide variant.
Coding change: c.10686+1G>A on transcript NM_000540.3 (MANE Select); the canonical splice donor site of the intron after coding-DNA position 10686, G replaced by A.
Molecular consequence: splice donor variant.
Genome position (GRCh38, 1-based): chr19:38,527,053, G>A. VCF-style: chr19-38527053-G-A. GRCh37 (hg19) VCF-style: chr19-39017693-G-A.
Other names: c.10671+1G>A (NM_001042723.2).
Identifiers: ClinVar variation 2767984 (VCV002767984.3), dbSNP rs2514485704, ClinGen allele CA405646192.

ClinVar aggregate classification (germline): Likely pathogenic (1 of 4 stars; one submission).

Conditions:
RYR1-related disorder. Also called: RYR1-related condition; RYR1-related disorders. Identifiers: MedGen CN239331.

Submission:

Labcorp Genetics (formerly Invitae), Labcorp
Classification: Likely pathogenic for RYR1-related disorder. Last evaluated: 2023-10-13. Review status: criteria provided, single submitter. Criteria: Invitae Variant Classification Sherloc (09022015). Collection method: clinical testing. Allele origin: germline.
Comment: This sequence change affects a donor splice site in intron 72 of the RYR1 gene. It is expected to disrupt RNA splicing. Variants that disrupt the donor or acceptor splice site typically lead to a loss of protein function (PMID: 16199547), and loss-of-function variants in RYR1 are known to be pathogenic (PMID: 23919265, 25960145, 28818389, 30611313). This variant is not present in population databases (gnomAD no frequency). This variant has not been reported in the literature in individuals affected with RYR1-related conditions. Algorithms developed to predict the effect of sequence changes on RNA splicing suggest that this variant may disrupt the consensus splice site. In summary, the currently available evidence indicates that the variant is pathogenic, but additional data are needed to prove that conclusively. Therefore, this variant has been classified as Likely Pathogenic.

Literature cited by the submitters: PubMed 16199547; PubMed 23919265; PubMed 25960145; PubMed 28818389; PubMed 30611313.